The following is an entry in ClinVar:

NM_001148.6(ANK2):c.2443G>A (p.Val815Ile)

Gene: ANK2 (ankyrin 2; plus strand). Cytogenetic location: 4q26.
Variant type: single nucleotide variant.
Coding change: c.2443G>A on transcript NM_001148.6 (MANE Select); coding-DNA position 2443, G replaced by A.
Protein change: p.Val815Ile; replaces valine 815 with isoleucine.
Molecular consequence: missense variant.
Genome position (GRCh38, 1-based): chr4:113,293,506, G>A. VCF-style: chr4-113293506-G-A. GRCh37 (hg19) VCF-style: chr4-114214662-G-A.
Other names: p.V815I:GTT>ATT; c.2380G>A, p.Val794Ile (NM_001127493.3, NM_001354239.2, NM_001354243.2 and 10 more transcripts); c.2443G>A, p.Val815Ile (NM_001354225.2, NM_001354228.2, NM_001354232.2 and 6 more transcripts); c.2488G>A, p.Val830Ile (NM_001354230.2, NM_001354231.2, NM_001354237.2 and 5 more transcripts); c.2344G>A, p.Val782Ile (NM_001354245.2, NM_001354268.2); c.2356G>A, p.Val786Ile (NM_001354249.2, NM_001354274.2, NM_001354276.2 and 10 more transcripts); c.2281G>A, p.Val761Ile (NM_001354253.2, NM_001354257.2, NM_001354270.2 and 1 more transcripts); c.2257G>A, p.Val753Ile (NM_001354271.2, NM_001386151.1, NM_001354260.2); and 10 more; short protein forms V794I, V815I, V782I, V801I, V720I, V786I, V830I, V753I.
Identifiers: ClinVar variation 190524 (VCV000190524.5), dbSNP rs753719949, ClinGen allele CA300702.

ClinVar aggregate classification (germline): Conflicting classifications of pathogenicity. Review status: criteria provided, conflicting classifications (1 of 4 stars). 3 submissions from 3 submitters: Uncertain significance (1); Likely benign (2). Last evaluated 2025-02-16.

Conditions:
Long QT syndrome (LQTS). Identifiers: MedGen C0023976, MeSH D008133, MONDO:0002442. Disease mechanism: loss of function. Inheritance: Various modes of inheritance.

Allele frequency attached by ClinVar (database versions not stated): ExAC 0.00001; gnomAD exomes 0.00001; gnomAD 0.00004.
gnomAD v4.1: 24 of 1,613,444 alleles (0.0015%); highest among the groups gnomAD compares: Non-Finnish European, 0.002%; no homozygotes.

Submissions (3):

Laboratory of Genetics, Children's Clinical University Hospital Latvia
Classification: Likely benign. Last evaluated: 2025-02-16. Review status: criteria provided, single submitter. Criteria: ACMG Guidelines, 2015. Collection method: clinical testing. Allele origin: germline. Affected: yes.

Labcorp Genetics (formerly Invitae), Labcorp
Classification: Uncertain significance for Long QT syndrome. Last evaluated: 2025-01-20. Review status: criteria provided, single submitter. Criteria: Invitae Variant Classification Sherloc (09022015). Collection method: clinical testing. Allele origin: germline.
Comment: This sequence change replaces valine, which is neutral and non-polar, with isoleucine, which is neutral and non-polar, at codon 815 of the ANK2 protein (p.Val815Ile). This variant is present in population databases (rs753719949, gnomAD 0.008%). This variant has not been reported in the literature in individuals affected with ANK2-related conditions. ClinVar contains an entry for this variant (Variation ID: 190524). An algorithm developed to predict the effect of missense changes on protein structure and function (PolyPhen-2) suggests that this variant is likely to be disruptive. In summary, the available evidence is currently insufficient to determine the role of this variant in disease. Therefore, it has been classified as a Variant of Uncertain Significance.

GeneDx
Classification: Likely benign. Last evaluated: 2011-12-06. Review status: criteria provided, single submitter. Criteria: GeneDx Variant Classification (06012015). Collection method: clinical testing. Allele origin: germline. Affected: yes.
Comment: This variant is considered likely benign or benign based on one or more of the following criteria: it is a conservative change, it occurs at a poorly conserved position in the protein, it is predicted to be benign by multiple in silico algorithms, and/or has population frequency not consistent with disease.